The following is an entry in ClinVar:

ClinVar aggregate classification (germline): Uncertain significance. Review status: criteria provided, multiple submitters, no conflicts (2 of 4 stars). 2 submissions from 2 submitters: Uncertain significance (2). Last evaluated 2025-03-12.

Conditions:
Familial thoracic aortic aneurysm and aortic dissection (TAAD). Also called: Thoracic aortic aneurysms and dissections. Identifiers: Orphanet 91387, MedGen C4707243, MONDO:0019625.
Adams-Oliver syndrome 5 (AOS5). Identifiers: Orphanet 974, MedGen C4014970, MONDO:0014459, OMIM 616028.

gnomAD v4.1: 4 of 1,612,726 alleles (0.00025%); highest among the groups gnomAD compares: Non-Finnish European, 0.00034%; no homozygotes.

Submissions (2):

Labcorp Genetics (formerly Invitae), Labcorp
Classification: Uncertain significance for Adams-Oliver syndrome 5. Last evaluated: 2025-03-12. Review status: criteria provided, single submitter. Criteria: Invitae Variant Classification Sherloc (09022015). Collection method: clinical testing. Allele origin: germline.
Comment: This sequence change replaces lysine, which is basic and polar, with asparagine, which is neutral and polar, at codon 2181 of the NOTCH1 protein (p.Lys2181Asn). This variant is not present in population databases (gnomAD no frequency). This variant has not been reported in the literature in individuals affected with NOTCH1-related conditions. ClinVar contains an entry for this variant (Variation ID: 3300429). Invitae Evidence Modeling of protein sequence and biophysical properties (such as structural, functional, and spatial information, amino acid conservation, physicochemical variation, residue mobility, and thermodynamic stability) indicates that this missense variant is not expected to disrupt NOTCH1 protein function with a negative predictive value of 80%. In summary, the available evidence is currently insufficient to determine the role of this variant in disease. Therefore, it has been classified as a Variant of Uncertain Significance.

Ambry Genetics
Classification: Uncertain significance for Familial thoracic aortic aneurysm and aortic dissection. Last evaluated: 2024-06-15. Review status: criteria provided, single submitter. Criteria: Ambry Variant Classification Scheme 2023. Collection method: clinical testing. Allele origin: germline.
Comment: The p.K2181N variant (also known as c.6543G>T), located in coding exon 34 of the NOTCH1 gene, results from a G to T substitution at nucleotide position 6543. The lysine at codon 2181 is replaced by asparagine, an amino acid with similar properties. This amino acid position is conserved. In addition, this alteration is predicted to be tolerated by in silico analysis. Based on the available evidence, the clinical significance of this variant remains unclear.

NM_017617.5(NOTCH1):c.6543G>T (p.Lys2181Asn)

Gene: NOTCH1 (notch receptor 1; minus strand). Cytogenetic location: 9q34.3.
Variant type: single nucleotide variant.
Coding change: c.6543G>T on transcript NM_017617.5 (MANE Select); coding-DNA position 6543, G replaced by T.
Protein change: p.Lys2181Asn; replaces lysine 2181 with asparagine.
Molecular consequence: missense variant.
Genome position (GRCh38, 1-based): chr9:136,497,196, C>A on the plus strand (G>T on the coding strand, the complement: NOTCH1 is on the minus strand). VCF-style: chr9-136497196-C-A. GRCh37 (hg19) VCF-style: chr9-139391648-C-A.
Other names: short protein forms K2181N.
Identifiers: ClinVar variation 3300429 (VCV003300429.3).